The following is an entry in ClinVar:

ClinVar aggregate classification (germline): Uncertain significance (1 of 4 stars; one submission).

Conditions:
Neuropathy, hereditary sensory, type 2C. Also called: KIF1A-Related HSAN2 (HSAN2C); Hereditary sensory and autonomic neuropathy type IIC. Identifiers: Orphanet 970, MedGen C3280168, MONDO:0013634, OMIM 614213.
Hereditary spastic paraplegia 30. Identifiers: Orphanet 101010, MedGen C5235139, MONDO:0012476.
Intellectual disability, autosomal dominant 9 (NESCAVS). Also called: KIF1A-Related Neurodevelopmental Disorder; NESCAV SYNDROME. Identifiers: Orphanet 662367, MedGen C5393830, MONDO:0013656, OMIM 614255.

Submission:

Labcorp Genetics (formerly Invitae), Labcorp
Classification: Uncertain significance for Hereditary spastic paraplegia 30; Neuropathy, hereditary sensory, type 2C; Intellectual disability, autosomal dominant 9. Last evaluated: 2025-03-20. Review status: criteria provided, single submitter. Criteria: Invitae Variant Classification Sherloc (09022015). Collection method: clinical testing. Allele origin: germline.
Comment: This sequence change replaces glutamic acid, which is acidic and polar, with glutamine, which is neutral and polar, at codon 1065 of the KIF1A protein (p.Glu1065Gln). This variant is not present in population databases (gnomAD no frequency). This variant has not been reported in the literature in individuals affected with KIF1A-related conditions. Invitae Evidence Modeling of protein sequence and biophysical properties (such as structural, functional, and spatial information, amino acid conservation, physicochemical variation, residue mobility, and thermodynamic stability) indicates that this missense variant is not expected to disrupt KIF1A protein function with a negative predictive value of 95%. In summary, the available evidence is currently insufficient to determine the role of this variant in disease. Therefore, it has been classified as a Variant of Uncertain Significance.

NM_001244008.2(KIF1A):c.3496G>C (p.Glu1166Gln)

Gene: KIF1A (kinesin family member 1A; minus strand). Cytogenetic location: 2q37.3.
Variant type: single nucleotide variant.
Coding change: c.3496G>C on transcript NM_001244008.2 (MANE Select); coding-DNA position 3496, G replaced by C.
Protein change: p.Glu1166Gln; replaces glutamic acid 1166 with glutamine.
Molecular consequence: missense variant.
Genome position (GRCh38, 1-based): chr2:240,744,030, C>G on the plus strand (G>C on the coding strand, the complement: KIF1A is on the minus strand). VCF-style: chr2-240744030-C-G. GRCh37 (hg19) VCF-style: chr2-241683447-C-G.
Other names: c.3220G>C, p.Glu1074Gln (NM_001320705.2, NM_001330289.2, NM_001379638.1); c.3295G>C, p.Glu1099Gln (NM_001330290.2, NM_001379634.1, NM_001379635.1 and 1 more transcripts); c.3571G>C, p.Glu1191Gln (NM_001379631.1); c.3445G>C, p.Glu1149Gln (NM_001379632.1); c.3469G>C, p.Glu1157Gln (NM_001379633.1, NM_001379642.1, NM_001379645.1); c.3193G>C, p.Glu1065Gln (NM_001379636.1, NM_001379639.1, NM_001379641.1 and 5 more transcripts); c.3268G>C, p.Glu1090Gln (NM_001379637.1, NM_001379648.1); c.3190G>C, p.Glu1064Gln (NM_001379640.1); short protein forms E1064Q, E1191Q, E1149Q, E1090Q, E1099Q, E1157Q, E1065Q, E1074Q.
Identifiers: ClinVar variation 4789372 (VCV004789372.1).